The following is an entry in ClinVar:

ClinVar aggregate classification (germline): Pathogenic (1 of 4 stars; one submission).

Conditions:
Neurodevelopmental disorder with language impairment and behavioral abnormalities. Also called: GRIA2-related neurodevelopmental disorder. Identifiers: MedGen C5394502, MONDO:0030060, OMIM 618917.

gnomAD v4.1: 1 of 1,225,418 alleles (0.000082%); no homozygotes.

Submission:

Genetics Laboratory, UDIAT-Centre Diagnòstic, Hospital Universitari Parc Tauli
Classification: Pathogenic for Neurodevelopmental disorder with language impairment and behavioral abnormalities. Last evaluated: 2022-10-04. Review status: criteria provided, single submitter. Criteria: Parc Tauli Hospital Assertion Criteria 2021. Collection method: clinical testing. Allele origin: de novo. Inheritance: Autosomal dominant inheritance. Affected: yes.
Comment: PVS1;PM2_supporting;PM6

NM_001083619.3(GRIA2):c.699C>A (p.Tyr233Ter)

Gene: GRIA2 (glutamate ionotropic receptor AMPA type subunit 2; plus strand). Cytogenetic location: 4q32.1.
Variant type: single nucleotide variant.
Coding change: c.699C>A on transcript NM_001083619.3 (MANE Select); coding-DNA position 699, C replaced by A.
Protein change: p.Tyr233Ter; replaces tyrosine 233 with a stop codon.
Molecular consequence: nonsense.
Genome position (GRCh38, 1-based): chr4:157,317,690, C>A. VCF-style: chr4-157317690-C-A. GRCh37 (hg19) VCF-style: chr4-158238842-C-A.
Other names: c.699C>A, p.Tyr233Ter (NM_000826.6); c.558C>A, p.Tyr186Ter (NM_001083620.3, NM_001379000.3, NM_001379001.3); short protein forms Y186*, Y233*.
Identifiers: ClinVar variation 1708230 (VCV001708230.2), dbSNP rs1734386587, ClinGen allele CA358646038.